The following is an entry in ClinVar:

ClinVar aggregate classification (germline): Uncertain significance. Review status: criteria provided, multiple submitters, no conflicts (2 of 4 stars). 3 submissions from 3 submitters: Uncertain significance (3). Last evaluated 2026-01-11.

Conditions:
Hereditary cancer-predisposing syndrome. Also called: Tumor predisposition; Hereditary neoplastic syndrome; Hereditary Cancer Syndrome; Neoplastic Syndromes, Hereditary. Identifiers: Orphanet 140162, MedGen C0027672, MeSH D009386, MONDO:0015356.

Allele frequency attached by ClinVar (database versions not stated): gnomAD 0.00001; gnomAD exomes 0.00001; TOPMed 0.00001.

Submissions (3):

Labcorp Genetics (formerly Invitae), Labcorp
Classification: Uncertain significance. Last evaluated: 2026-01-11. Review status: criteria provided, single submitter. Criteria: Invitae Variant Classification Sherloc (09022015). Collection method: clinical testing. Allele origin: germline.
Comment: This sequence change replaces proline, which is neutral and non-polar, with serine, which is neutral and polar, at codon 44 of the HOXB13 protein (p.Pro44Ser). This variant is not present in population databases (gnomAD no frequency). This variant has not been reported in the literature in individuals affected with HOXB13-related conditions. ClinVar contains an entry for this variant (Variation ID: 934975). An algorithm developed to predict the effect of missense changes on protein structure and function (PolyPhen-2) suggests that this variant is likely to be tolerated. In summary, the available evidence is currently insufficient to determine the role of this variant in disease. Therefore, it has been classified as a Variant of Uncertain Significance.

Ambry Genetics
Classification: Uncertain significance for Hereditary cancer-predisposing syndrome. Last evaluated: 2025-05-01. Review status: criteria provided, single submitter. Criteria: Ambry Variant Classification Scheme 2023. Collection method: clinical testing. Allele origin: germline.
Comment: The p.P44S variant (also known as c.130C>T), located in coding exon 1 of the HOXB13 gene, results from a C to T substitution at nucleotide position 130. The proline at codon 44 is replaced by serine, an amino acid with similar properties. This amino acid position is well conserved in available vertebrate species. In addition, this alteration is predicted to be tolerated by in silico analysis. Since supporting evidence is limited at this time, the clinical significance of this alteration remains unclear.

GeneDx
Classification: Uncertain significance. Last evaluated: 2020-10-20. Review status: criteria provided, single submitter. Criteria: GeneDx Variant Classification Process June 2021. Collection method: clinical testing. Allele origin: germline. Affected: yes.
Comment: Not observed in large population cohorts (Lek 2016); In silico analysis supports that this missense variant does not alter protein structure/function; Has not been previously published as pathogenic or benign to our knowledge

NM_006361.6(HOXB13):c.130C>T (p.Pro44Ser)

Gene: HOXB13 (homeobox B13; minus strand). Cytogenetic location: 17q21.32.
Variant type: single nucleotide variant.
Coding change: c.130C>T on transcript NM_006361.6 (MANE Select); coding-DNA position 130, C replaced by T.
Protein change: p.Pro44Ser; replaces proline 44 with serine.
Molecular consequence: missense variant.
Genome position (GRCh38, 1-based): chr17:48,728,464, G>A on the plus strand (C>T on the coding strand, the complement: HOXB13 is on the minus strand). VCF-style: chr17-48728464-G-A. GRCh37 (hg19) VCF-style: chr17-46805826-G-A.
Other names: short protein forms P44S.
Identifiers: ClinVar variation 934975 (VCV000934975.13), dbSNP rs1176443254, ClinGen allele CA400109180.